The following is an entry in ClinVar:

NM_001369.3(DNAH5):c.7476G>T (p.Ala2492=)

Gene: DNAH5 (dynein axonemal heavy chain 5; minus strand). Cytogenetic location: 5p15.2.
Variant type: single nucleotide variant.
Coding change: c.7476G>T on transcript NM_001369.3 (MANE Select); coding-DNA position 7476, G replaced by T.
Protein change: p.Ala2492=; no amino-acid change (alanine 2492 retained).
Molecular consequence: synonymous variant.
Genome position (GRCh38, 1-based): chr5:13,810,192, C>A on the plus strand (G>T on the coding strand, the complement: DNAH5 is on the minus strand). VCF-style: chr5-13810192-C-A. GRCh37 (hg19) VCF-style: chr5-13810301-C-A.
Identifiers: ClinVar variation 454802 (VCV000454802.32), dbSNP rs778257130, ClinGen allele CA3203084.

ClinVar aggregate classification (germline): Likely benign. Review status: criteria provided, multiple submitters, no conflicts (2 of 4 stars). 6 submissions from 6 submitters: Likely benign (5). 1 of the submissions does not count toward it. Last evaluated 2026-07-01.

Conditions:
DNAH5-related disorder. Also called: DNAH5-related condition.
Primary ciliary dyskinesia. Also called: Ciliary dyskinesia. Identifiers: Orphanet 244, MedGen C0008780, MONDO:0016575, HP:0012265.
Primary ciliary dyskinesia 3. Identifiers: Orphanet 244, MedGen C1837618, MONDO:0012085, OMIM 608644.

Allele frequency attached by ClinVar (database versions not stated): gnomAD 0.00019; ExAC below 0.00001; TOPMed 0.00008; gnomAD exomes 0.00009.
gnomAD v4.1: 122 of 1,549,530 alleles (0.0079%); highest among the groups gnomAD compares: Middle Eastern, 0.033%; 1 homozygote.

Submissions (6):

CeGaT Center for Human Genetics Tuebingen
Classification: Likely benign. Last evaluated: 2026-07-01. Review status: criteria provided, single submitter. Criteria: CeGaT Center For Human Genetics Tuebingen Variant Classification Criteria Version 2. Collection method: clinical testing. Allele origin: germline. Affected: yes. Observed: 3 variant alleles.
Comment: DNAH5: BP4, BP7

Labcorp Genetics (formerly Invitae), Labcorp
Classification: Likely benign for Primary ciliary dyskinesia. Last evaluated: 2025-12-23. Review status: criteria provided, single submitter. Criteria: Invitae Variant Classification Sherloc (09022015). Collection method: clinical testing. Allele origin: germline.

Blueprint Genetics
Classification: Likely benign. Last evaluated: 2024-10-10. Review status: criteria provided, single submitter. Criteria: ACMG Guidelines, 2015. Collection method: clinical testing. Allele origin: germline.

ARUP Laboratories, Molecular Genetics and Genomics, ARUP Laboratories
Classification: Likely benign for Primary ciliary dyskinesia 3. Last evaluated: 2023-12-26. Review status: criteria provided, single submitter. Criteria: ARUP Molecular Germline Variant Investigation Process 2024. Collection method: clinical testing. Allele origin: germline.

Ambry Genetics
Classification: Likely benign for Primary ciliary dyskinesia. Last evaluated: 2022-06-06. Review status: criteria provided, single submitter. Criteria: Ambry Variant Classification Scheme 2023. Collection method: clinical testing. Allele origin: germline.

PreventionGenetics, part of Exact Sciences
Classification: Likely benign for DNAH5-related condition. Last evaluated: 2021-09-30. Review status: no assertion criteria provided. Collection method: clinical testing. Allele origin: germline. Not counted in ClinVar's aggregate classification.
Comment: This variant is classified as likely benign based on ACMG/AMP sequence variant interpretation guidelines (Richards et al. 2015 PMID: 25741868, with internal and published modifications).